The following is an entry in ClinVar:

NM_001035.3(RYR2):c.12023A>G (p.Asn4008Ser)

Gene: RYR2 (ryanodine receptor 2; plus strand). Cytogenetic location: 1q43.
Variant type: single nucleotide variant.
Coding change: c.12023A>G on transcript NM_001035.3 (MANE Select); coding-DNA position 12023, A replaced by G.
Protein change: p.Asn4008Ser; replaces asparagine 4008 with serine.
Molecular consequence: missense variant.
Genome position (GRCh38, 1-based): chr1:237,783,735, A>G. VCF-style: chr1-237783735-A-G. GRCh37 (hg19) VCF-style: chr1-237947035-A-G.
Other names: c.12023A>G, p.Asn4008Ser (LRG_402t1); short protein forms N4008S.
Identifiers: ClinVar variation 496655 (VCV000496655.18), dbSNP rs1330847491, ClinGen allele CA345411912.

ClinVar aggregate classification (germline): Uncertain significance. Review status: criteria provided, multiple submitters, no conflicts (2 of 4 stars). 4 submissions from 4 submitters: Uncertain significance (4). Last evaluated 2025-08-31.

Conditions:
Cardiomyopathy (CMYO). Also called: Cardiomyopathies. Identifiers: Orphanet 167848, MedGen C0878544, MONDO:0004994, HP:0001638. Inheritance: Various modes of inheritance.
Catecholaminergic polymorphic ventricular tachycardia 1. Also called: RYR2-Related Catecholaminergic Polymorphic Ventricular Tachycardia; VENTRICULAR TACHYCARDIA, CATECHOLAMINERGIC POLYMORPHIC, 1, WITH OR WITHOUT ATRIAL DYSFUNCTION AND/OR DILATED CARDIOMYOPATHY; VENTRICULAR TACHYCARDIA, STRESS-INDUCED POLYMORPHIC 1. Identifiers: Orphanet 3286, MedGen C1631597, MONDO:0011484, OMIM 604772.
Arrhythmogenic right ventricular cardiomyopathy (ARVD). Also called: Arrhythmogenic cardiomyopathy; Arrhythmogenic Right Ventricular Cardiomyopathy (ARVC); Cardiomyopathy, ARVC; Arrhythmogenic right ventricular dysplasia. Identifiers: Orphanet 247, MedGen C0349788, MeSH D019571, MONDO:0016587. Disease mechanism: loss of function. Inheritance: Various modes of inheritance.

Allele frequency attached by ClinVar (database versions not stated): TOPMed below 0.00001; gnomAD 0.00001.
gnomAD v4.1: 2 of 1,612,424 alleles (0.00012%); highest among the groups gnomAD compares: African/African-American, 0.0013%; no homozygotes.

Submissions (4):

Labcorp Genetics (formerly Invitae), Labcorp
Classification: Uncertain significance for Catecholaminergic polymorphic ventricular tachycardia 1. Last evaluated: 2025-08-31. Review status: criteria provided, single submitter. Criteria: Invitae Variant Classification Sherloc (09022015). Collection method: clinical testing. Allele origin: germline.
Comment: This sequence change replaces asparagine, which is neutral and polar, with serine, which is neutral and polar, at codon 4008 of the RYR2 protein (p.Asn4008Ser). This variant is not present in population databases (gnomAD no frequency). This variant has not been reported in the literature in individuals affected with RYR2-related conditions. ClinVar contains an entry for this variant (Variation ID: 496655). Invitae Evidence Modeling of protein sequence and biophysical properties (such as structural, functional, and spatial information, amino acid conservation, physicochemical variation, residue mobility, and thermodynamic stability) indicates that this missense variant is not expected to disrupt RYR2 protein function with a negative predictive value of 95%. In summary, the available evidence is currently insufficient to determine the role of this variant in disease. Therefore, it has been classified as a Variant of Uncertain Significance.

Color Diagnostics, LLC DBA Color Health
Classification: Uncertain significance for Cardiomyopathy. Last evaluated: 2024-03-06. Review status: criteria provided, single submitter. Criteria: ACMG Guidelines, 2015. Collection method: clinical testing. Allele origin: germline.
Comment: This missense variant replaces asparagine with serine at codon 4008 of the RYR2 protein. Computational prediction suggests that this variant may not impact protein structure and function (internally defined REVEL score threshold <= 0.5, PMID: 27666373). To our knowledge, functional studies have not been reported for this variant. This variant has not been reported in individuals affected with cardiovascular disorders in the literature. This variant has not been identified in the general population by the Genome Aggregation Database (gnomAD). The available evidence is insufficient to determine the role of this variant in disease conclusively. Therefore, this variant is classified as a Variant of Uncertain Significance.

Mayo Clinic Laboratories, Mayo Clinic
Classification: Uncertain significance. Last evaluated: 2020-09-16. Review status: criteria provided, single submitter. Criteria: ACMG Guidelines, 2015. Collection method: clinical testing. Allele origin: germline. Observed: 1 variant allele.

CSER _CC_NCGL, University of Washington
Classification: Uncertain significance for Arrhythmogenic right ventricular dysplasia. Last evaluated: 2016-10-01. Review status: criteria provided, single submitter. Criteria: Amendola et al. (Genome Res. 2015). Collection method: research. Allele origin: germline. Affected: no. Study: CSER - NEXT Medicine variant annotation.
Comment: This interpretation considers GERP score and allele frequency data, in addition to published reports of the variant in the literature, available at the time of review.